The following is an entry in ClinVar:

NM_001382.4(DPAGT1):c.1117C>T (p.Pro373Ser)

Gene: DPAGT1 (dolichyl-phosphate N-acetylglucosaminephosphotransferase 1; minus strand). Cytogenetic location: 11q23.3.
Variant type: single nucleotide variant.
Coding change: c.1117C>T on transcript NM_001382.4 (MANE Select); coding-DNA position 1117, C replaced by T.
Protein change: p.Pro373Ser; replaces proline 373 with serine.
Molecular consequence: missense variant.
Genome position (GRCh38, 1-based): chr11:119,097,186, G>A on the plus strand (C>T on the coding strand, the complement: DPAGT1 is on the minus strand). VCF-style: chr11-119097186-G-A. GRCh37 (hg19) VCF-style: chr11-118967896-G-A.
Other names: short protein forms P373S.
Identifiers: ClinVar variation 1035261 (VCV001035261.7), dbSNP rs1210999092, ClinGen allele CA382908172.

ClinVar aggregate classification (germline): Uncertain significance (1 of 4 stars; one submission).

Conditions:
Congenital myasthenic syndrome 13 (CMS13). Also called: Myasthenic syndrome, congenital, with tubular aggregates 2; Myasthenic syndrome, congenital, 13, with tubular aggregates. Identifiers: Orphanet 353327, Orphanet 590, MedGen C3553645, MONDO:0013883, OMIM 614750.
DPAGT1-congenital disorder of glycosylation. Also called: DPAGT1-CDG; CONGENITAL DISORDER OF GLYCOSYLATION, TYPE Ij; CDG Ij. Identifiers: Orphanet 86309, MedGen C2931004, MONDO:0011964, OMIM 608093.

Allele frequency attached by ClinVar (database versions not stated): gnomAD exomes below 0.00001.
gnomAD v4.1: 4 of 1,614,152 alleles (0.00025%); highest among the groups gnomAD compares: Non-Finnish European, 0.00025%; no homozygotes.

Submission:

Labcorp Genetics (formerly Invitae), Labcorp
Classification: Uncertain significance for Congenital myasthenic syndrome 13; DPAGT1-congenital disorder of glycosylation. Last evaluated: 2020-03-26. Review status: criteria provided, single submitter. Criteria: Invitae Variant Classification Sherloc (09022015). Collection method: clinical testing. Allele origin: germline.
Comment: In summary, the available evidence is currently insufficient to determine the role of this variant in disease. Therefore, it has been classified as a Variant of Uncertain Significance. Algorithms developed to predict the effect of missense changes on protein structure and function are either unavailable or do not agree on the potential impact of this missense change (SIFT: "Deleterious"; PolyPhen-2: "Benign"; Align-GVGD: "Class C65"). This variant has not been reported in the literature in individuals with DPAGT1-related conditions. This variant is not present in population databases (ExAC no frequency). This sequence change replaces proline with serine at codon 373 of the DPAGT1 protein (p.Pro373Ser). The proline residue is highly conserved and there is a moderate physicochemical difference between proline and serine.